The following is an entry in ClinVar:

ClinVar aggregate classification (germline): Uncertain significance (1 of 4 stars; one submission).

Submission:

Labcorp Genetics (formerly Invitae), Labcorp
Classification: Uncertain significance. Last evaluated: 2022-08-23. Review status: criteria provided, single submitter. Criteria: Invitae Variant Classification Sherloc (09022015). Collection method: clinical testing. Allele origin: germline.
Comment: A copy number gain of the genomic region encompassing the full coding sequence of the CNGA1 gene has been identified. The boundaries of this event are unknown as they extend beyond the assayed region for this gene and therefore may encompass additional genes. As the precise location of this event is unknown, it may be in tandem or it may be located elsewhere in the genome. This variant has not been reported in the literature in individuals affected with CNGA1-related conditions. In summary, the available evidence is currently insufficient to determine the role of this variant in disease. Therefore, it has been classified as a Variant of Uncertain Significance.

NC_000004.11:g.(?_47938438)_(47954718_?)dup

Gene: CNGA1 (cyclic nucleotide gated channel subunit alpha 1; minus strand). Cytogenetic location: 4p12.
Variant type: Duplication.
Identifiers: ClinVar variation 1441681 (VCV001441681.4).